The following is an entry in ClinVar:

NM_001282531.3(ADNP):c.2310T>C (p.Phe770=)

Gene: ADNP (activity dependent neuroprotector homeobox; minus strand). Cytogenetic location: 20q13.13.
Variant type: single nucleotide variant.
Coding change: c.2310T>C on transcript NM_001282531.3 (MANE Select); coding-DNA position 2310, T replaced by C.
Protein change: p.Phe770=; no amino-acid change (phenylalanine 770 retained).
Molecular consequence: synonymous variant.
Genome position (GRCh38, 1-based): chr20:50,892,404, A>G on the plus strand (T>C on the coding strand, the complement: ADNP is on the minus strand). VCF-style: chr20-50892404-A-G. GRCh37 (hg19) VCF-style: chr20-49508941-A-G.
Other names: c.2310T>C, p.Phe770= (NM_001282532.2, NM_001347511.2, NM_015339.5 and 1 more transcripts).
Identifiers: ClinVar variation 747523 (VCV000747523.36), dbSNP rs189595164, ClinGen allele CA9908605.

ClinVar aggregate classification (germline): Benign/Likely benign. Review status: criteria provided, multiple submitters, no conflicts (2 of 4 stars). 5 submissions from 5 submitters: Benign (3); Likely benign (2). Last evaluated 2025-12-22.

Conditions:
ADNP-related multiple congenital anomalies - intellectual disability - autism spectrum disorder. Also called: Helsmoortel-Van der Aa Syndrome; ADNP-Related Helsmoortel-Van der Aa Syndrome. Identifiers: Orphanet 404448, MedGen C4014538, MONDO:0014379, OMIM 615873. Disease mechanism: loss of function.
Inborn genetic diseases. Identifiers: MedGen C0950123, MeSH D030342.

Allele frequency attached by ClinVar (database versions not stated): 1000 Genomes Project 30x 0.00047; 1000 Genomes Project 0.00060; ESP Exome Variant Server 0.00008; gnomAD exomes 0.00010 and 0.00042; gnomAD 0.00021 and 0.00022; TOPMed 0.00028; ExAC 0.00030.

Submissions (5):

Labcorp Genetics (formerly Invitae), Labcorp
Classification: Benign. Last evaluated: 2025-12-22. Review status: criteria provided, single submitter. Criteria: Invitae Variant Classification Sherloc (09022015). Collection method: clinical testing. Allele origin: germline.

CeGaT Center for Human Genetics Tuebingen
Classification: Likely benign. Last evaluated: 2024-04-01. Review status: criteria provided, single submitter. Criteria: CeGaT Center For Human Genetics Tuebingen Variant Classification Criteria Version 2. Collection method: clinical testing. Allele origin: germline. Affected: yes. Observed: 3 variant alleles.
Comment: ADNP: BP4, BP7

Genome-Nilou Lab
Classification: Benign for ADNP-related multiple congenital anomalies - intellectual disability - autism spectrum disorder. Last evaluated: 2021-12-05. Review status: criteria provided, single submitter. Criteria: ACMG Guidelines, 2015. Collection method: clinical testing. Allele origin: germline. Affected: no.

GeneDx
Classification: Benign. Last evaluated: 2021-06-16. Review status: criteria provided, single submitter. Criteria: GeneDx Variant Classification Process June 2021. Collection method: clinical testing. Allele origin: germline. Affected: yes.

Ambry Genetics
Classification: Likely benign for Inborn genetic diseases. Last evaluated: 2017-07-27. Review status: criteria provided, single submitter. Criteria: Ambry Variant Classification Scheme 2023. Collection method: clinical testing. Allele origin: germline.